The following is an entry in ClinVar:

NM_005984.5(SLC25A1):c.499G>A (p.Gly167Arg)

Gene: SLC25A1 (solute carrier family 25 member 1; minus strand). Cytogenetic location: 22q11.21.
Variant type: single nucleotide variant.
Coding change: c.499G>A on transcript NM_005984.5 (MANE Select); coding-DNA position 499, G replaced by A.
Protein change: p.Gly167Arg; replaces glycine 167 with arginine.
Molecular consequence: missense variant. On other transcripts: non-coding transcript variant (1).
Genome position (GRCh38, 1-based): chr22:19,177,147, C>T on the plus strand (G>A on the coding strand, the complement: SLC25A1 is on the minus strand). VCF-style: chr22-19177147-C-T. GRCh37 (hg19) VCF-style: chr22-19164660-C-T.
Other names: c.520G>A, p.Gly174Arg (NM_001256534.2); c.190G>A, p.Gly64Arg (NM_001287387.2); short protein forms G167R, G174R, G64R.
Identifiers: ClinVar variation 1678757 (VCV001678757.2), dbSNP rs2146144018, ClinGen allele CA410637713.

ClinVar aggregate classification (germline): Likely pathogenic (1 of 4 stars; one submission).

Submission:

GeneDx
Classification: Likely pathogenic. Last evaluated: 2021-09-30. Review status: criteria provided, single submitter. Criteria: GeneDx Variant Classification Process June 2021. Collection method: clinical testing. Allele origin: germline. Affected: yes.
Comment: Published functional studies demonstrate a damaging effect on protein activity (Pop A et al., 2018; Majd H et al., 2018); Observed with a second SLC25A1 variant in a patient with D-2- and L-2-hydroxyglutaric aciduria in published literature (Nota B et al., 2013); Not observed at significant frequency in large population cohorts (gnomAD); In silico analysis supports that this missense variant has a deleterious effect on protein structure/function; In silico analysis, which includes splice predictors and evolutionary conservation, suggests this variant may impact gene splicing. In the absence of RNA/functional studies, the actual effect of this sequence change is unknown.; This variant is associated with the following publications: (PMID: 29031613, 26870663, 32340404, 24445237, 29238895, 23561848)